The following is an entry in ClinVar:

ClinVar aggregate classification (germline): Uncertain significance. Review status: criteria provided, multiple submitters, no conflicts (2 of 4 stars). 2 submissions from 2 submitters: Uncertain significance (2). Last evaluated 2025-11-03.

Allele frequency attached by ClinVar (database versions not stated): ExAC 0.00003; TOPMed 0.00003; 1000 Genomes Project 0.00020; 1000 Genomes Project 30x 0.00031; gnomAD 0.00001; gnomAD exomes 0.00002.
gnomAD v4.1: 40 of 1,613,692 alleles (0.0025%); highest among the groups gnomAD compares: Admixed American, 0.0033%; no homozygotes.

Submissions (2):

Women's Health and Genetics/Laboratory Corporation of America, LabCorp
Classification: Uncertain significance. Last evaluated: 2025-11-03. Review status: criteria provided, single submitter. Criteria: LabCorp Variant Classification Summary - May 2015. Collection method: clinical testing. Allele origin: germline.
Comment: Variant summary: MAN2B2 c.1829C>T (p.Thr610Met) results in a non-conservative amino acid change in the encoded protein sequence. Algorithms developed to predict the effect of missense changes on protein structure and function all suggest that this variant is likely to be disruptive. The variant allele was found at a frequency of 2e-05 in 250500 control chromosomes. The available data on variant occurrences in the general population are insufficient to allow any conclusion about variant significance. To our knowledge, no occurrence of c.1829C>T in individuals affected with MAN2B2-related conditions and no experimental evidence demonstrating its impact on protein function have been reported. ClinVar contains an entry for this variant (Variation ID: 2360334). Based on the evidence outlined above, the variant was classified as uncertain significance.

Ambry Genetics
Classification: Uncertain significance. Last evaluated: 2022-12-21. Review status: criteria provided, single submitter. Criteria: Ambry Variant Classification Scheme 2023. Collection method: clinical testing. Allele origin: germline.

NM_015274.3(MAN2B2):c.1829C>T (p.Thr610Met)

Gene: MAN2B2 (mannosidase alpha class 2B member 2; plus strand). Cytogenetic location: 4p16.1.
Variant type: single nucleotide variant.
Coding change: c.1829C>T on transcript NM_015274.3 (MANE Select); coding-DNA position 1829, C replaced by T.
Protein change: p.Thr610Met; replaces threonine 610 with methionine.
Molecular consequence: missense variant.
Genome position (GRCh38, 1-based): chr4:6,609,121, C>T. VCF-style: chr4-6609121-C-T. GRCh37 (hg19) VCF-style: chr4-6610848-C-T.
Other names: c.1676C>T, p.Thr559Met (NM_001292038.2); short protein forms T559M, T610M.
Identifiers: ClinVar variation 2360334 (VCV002360334.3), dbSNP rs184138382, ClinGen allele CA2841080.